The following is an entry in ClinVar:

ClinVar aggregate classification (germline): Uncertain significance (1 of 4 stars; one submission).

Conditions:
Primary ciliary dyskinesia 32. Also called: CILIARY DYSKINESIA, PRIMARY, 32, WITHOUT SITUS INVERSUS. Identifiers: Orphanet 244, MedGen C4225311, MONDO:0014657, OMIM 616481.

Allele frequency attached by ClinVar (database versions not stated): TOPMed below 0.00001; gnomAD exomes 0.00002; ExAC 0.00003.

Submission:

Labcorp Genetics (formerly Invitae), Labcorp
Classification: Uncertain significance for Primary ciliary dyskinesia 32. Last evaluated: 2025-05-23. Review status: criteria provided, single submitter. Criteria: Invitae Variant Classification Sherloc (09022015). Collection method: clinical testing. Allele origin: germline.
Comment: This sequence change replaces arginine, which is basic and polar, with glutamine, which is neutral and polar, at codon 371 of the RSPH3 protein (p.Arg371Gln). This variant is present in population databases (rs772035250, gnomAD 0.02%). This variant has not been reported in the literature in individuals affected with RSPH3-related conditions. ClinVar contains an entry for this variant (Variation ID: 475819). An algorithm developed to predict the effect of missense changes on protein structure and function outputs the following: PolyPhen-2: "Benign". The glutamine amino acid residue is found in multiple mammalian species, which suggests that this missense change does not adversely affect protein function. In summary, the available evidence is currently insufficient to determine the role of this variant in disease. Therefore, it has been classified as a Variant of Uncertain Significance.

NM_031924.8(RSPH3):c.686G>A (p.Arg229Gln)

Gene: RSPH3 (radial spoke head 3; minus strand). Cytogenetic location: 6q25.3.
Variant type: single nucleotide variant.
Coding change: c.686G>A on transcript NM_031924.8 (MANE Select); coding-DNA position 686, G replaced by A.
Protein change: p.Arg229Gln; replaces arginine 229 with glutamine.
Molecular consequence: missense variant. On other transcripts: non-coding transcript variant (1).
Genome position (GRCh38, 1-based): chr6:158,982,495, C>T on the plus strand (G>A on the coding strand, the complement: RSPH3 is on the minus strand). VCF-style: chr6-158982495-C-T. GRCh37 (hg19) VCF-style: chr6-159403527-C-T.
Other names: c.824G>A, p.Arg275Gln (NM_001346418.1); short protein forms R275Q, R229Q.
Identifiers: ClinVar variation 475819 (VCV000475819.8), dbSNP rs772035250, ClinGen allele CA4075847.